The following is an entry in ClinVar:

ClinVar aggregate classification (germline): Conflicting classifications of pathogenicity. Review status: criteria provided, conflicting classifications (1 of 4 stars). 3 submissions from 3 submitters: Pathogenic (1); Uncertain significance (1). 1 of the submissions does not count toward it. Last evaluated 2021-07-14.

Conditions:
Charcot-Marie-Tooth disease. Also called: Charcot-Marie-Tooth Neuropathy; Charcot-Marie-Tooth Hereditary Neuropathy. Identifiers: Orphanet 166, MedGen C0007959, MONDO:0015626.
Charcot-Marie-Tooth Neuropathy X. Identifiers: MedGen CN118851.

Submissions (3):

Labcorp Genetics (formerly Invitae), Labcorp
Classification: Uncertain significance for Charcot-Marie-Tooth Neuropathy X. Last evaluated: 2021-07-14. Review status: criteria provided, single submitter. Criteria: Invitae Variant Classification Sherloc (09022015). Collection method: clinical testing. Allele origin: germline.
Comment: This sequence change replaces tryptophan with serine at codon 3 of the GJB1 protein (p.Trp3Ser). The tryptophan residue is highly conserved and there is a large physicochemical difference between tryptophan and serine. This variant is not present in population databases (ExAC no frequency). This missense change has been observed in individual(s) with Charcot-Marie-Tooth disease (PMID: 8737658). Algorithms developed to predict the effect of missense changes on protein structure and function are either unavailable or do not agree on the potential impact of this missense change (SIFT: "Deleterious"; PolyPhen-2: "Probably Damaging"; Align-GVGD: "Class C0"). Experimental studies have shown that this missense change affects GJB1 protein function (PMID: 10646523). This variant disrupts the p.Trp3 amino acid residue in GJB1. Other variant(s) that disrupt this residue have been observed in individuals with GJB1-related conditions (PMID: 8737658, 21922480), which suggests that this may be a clinically significant amino acid residue. In summary, the available evidence is currently insufficient to determine the role of this variant in disease. Therefore, it has been classified as a Variant of Uncertain Significance.

Molecular Genetics Laboratory, London Health Sciences Centre
Classification: Pathogenic for Charcot-Marie-Tooth disease. Review status: criteria provided, single submitter. Criteria: ACMG Guidelines, 2015. Collection method: clinical testing. Allele origin: germline. Affected: yes.

Inherited Neuropathy Consortium
Classification: Uncertain significance for Charcot-Marie-Tooth disease. Review status: no assertion criteria provided. Collection method: literature only. Allele origin: germline. Affected: yes. Not counted in ClinVar's aggregate classification.

Literature cited by the submitters: PubMed 8737658 (cited by Labcorp Genetics (formerly Invitae), Labcorp and Inherited Neuropathy Consortium); PubMed 10646523 (cited by Labcorp Genetics (formerly Invitae), Labcorp); PubMed 21922480 (cited by Labcorp Genetics (formerly Invitae), Labcorp).

NM_000166.6(GJB1):c.8G>C (p.Trp3Ser)

Gene: GJB1 (gap junction protein beta 1; plus strand). Cytogenetic location: Xq13.1.
Variant type: single nucleotide variant.
Coding change: c.8G>C on transcript NM_000166.6 (MANE Select); coding-DNA position 8, G replaced by C.
Protein change: p.Trp3Ser; replaces tryptophan 3 with serine.
Molecular consequence: missense variant.
Genome position (GRCh38, 1-based): chrX:71,223,715, G>C. VCF-style: chrX-71223715-G-C. GRCh37 (hg19) VCF-style: chrX-70443565-G-C.
Other names: c.8G>C, p.Trp3Ser (NM_001097642.3); short protein forms W3S.
Identifiers: ClinVar variation 543926 (VCV000543926.8), dbSNP rs1555936989, ClinGen allele CA413499286.